The following is an entry in ClinVar:

NM_000093.5(COL5A1):c.808G>T (p.Gly270Cys)

Gene: COL5A1 (collagen type V alpha 1 chain; plus strand). Cytogenetic location: 9q34.3.
Variant type: single nucleotide variant.
Coding change: c.808G>T on transcript NM_000093.5 (MANE Select); coding-DNA position 808, G replaced by T.
Protein change: p.Gly270Cys; replaces glycine 270 with cysteine.
Molecular consequence: missense variant.
Genome position (GRCh38, 1-based): chr9:134,728,691, G>T. VCF-style: chr9-134728691-G-T. GRCh37 (hg19) VCF-style: chr9-137620537-G-T.
Other names: c.808G>T, p.Gly270Cys (NM_001278074.1); c.808G>T (NM_000093.3); short protein forms G270C.
Identifiers: ClinVar variation 1520921 (VCV001520921.8), dbSNP rs1834748686, ClinGen allele CA375446845.

ClinVar aggregate classification (germline): Uncertain significance. Review status: criteria provided, multiple submitters, no conflicts (2 of 4 stars). 2 submissions from 2 submitters: Uncertain significance (2). Last evaluated 2025-08-05.

Conditions:
Ehlers-Danlos syndrome, classic type, 1 (EDSCL1). Also called: EHLERS-DANLOS SYNDROME, GRAVIS TYPE; EHLERS-DANLOS SYNDROME, SEVERE CLASSIC TYPE; Ehlers-Danlos syndrome, type 1; Ehlers-Danlos Syndrome, Classic Type, COL5A1-Related; EDS I. Identifiers: MedGen C0268335, MONDO:0019567, OMIM 130000.

Submissions (2):

GeneDx
Classification: Uncertain significance. Last evaluated: 2025-08-05. Review status: criteria provided, single submitter. Criteria: GeneDx Variant Classification Process June 2021. Collection method: clinical testing. Allele origin: germline. Affected: yes.
Comment: Not observed at significant frequency in large population cohorts (gnomAD); In silico analysis supports that this missense variant has a deleterious effect on protein structure/function; Has not been previously published as pathogenic or benign to our knowledge; Not located in the triple helical region, where the majority of pathogenic missense variants occur (PMID: 22696272; HGMD); This variant is associated with the following publications: (PMID: 22696272)

Labcorp Genetics (formerly Invitae), Labcorp
Classification: Uncertain significance for Ehlers-Danlos syndrome, classic type, 1. Last evaluated: 2024-11-24. Review status: criteria provided, single submitter. Criteria: Invitae Variant Classification Sherloc (09022015). Collection method: clinical testing. Allele origin: germline.
Comment: This sequence change replaces glycine, which is neutral and non-polar, with cysteine, which is neutral and slightly polar, at codon 270 of the COL5A1 protein (p.Gly270Cys). This variant is not present in population databases (gnomAD no frequency). This variant has not been reported in the literature in individuals affected with COL5A1-related conditions. ClinVar contains an entry for this variant (Variation ID: 1520921). Invitae Evidence Modeling of protein sequence and biophysical properties (such as structural, functional, and spatial information, amino acid conservation, physicochemical variation, residue mobility, and thermodynamic stability) indicates that this missense variant is not expected to disrupt COL5A1 protein function with a negative predictive value of 95%. In summary, the available evidence is currently insufficient to determine the role of this variant in disease. Therefore, it has been classified as a Variant of Uncertain Significance.